The following is an entry in ClinVar:

ClinVar aggregate classification (germline): Benign/Likely benign. Review status: criteria provided, multiple submitters, no conflicts (2 of 4 stars). 5 submissions from 5 submitters: Benign (1); Likely benign (3). 1 of the submissions does not count toward it. Last evaluated 2025-08-11.

Conditions:
Hereditary cancer-predisposing syndrome. Also called: Neoplastic Syndromes, Hereditary; Hereditary Cancer Syndrome; Hereditary neoplastic syndrome; Tumor predisposition. Identifiers: Orphanet 140162, MedGen C0027672, MeSH D009386, MONDO:0015356.
Pheochromocytoma/paraganglioma syndrome 5. Also called: Paragangliomas 5; SDHA-Related Hereditary Paraganglioma-Pheochromocytoma Syndrome. Identifiers: Orphanet 29072, MedGen C3279992, MONDO:0013602, OMIM 614165.
SDHA-related disorder. Also called: SDHA-related condition; SDHA-related disorders.
Mitochondrial complex II deficiency, nuclear type 1. Also called: SUCCINATE CoQ REDUCTASE DEFICIENCY. Identifiers: Orphanet 3208, MedGen C5700310, MONDO:0100294, OMIM 252011.

gnomAD v4.1: 7 of 1,613,852 alleles (0.00043%); highest among the groups gnomAD compares: Non-Finnish European, 0.00051%; no homozygotes.

Submissions (5):

Labcorp Genetics (formerly Invitae), Labcorp
Classification: Likely benign for Pheochromocytoma/paraganglioma syndrome 5; Mitochondrial complex II deficiency, nuclear type 1. Last evaluated: 2025-08-11. Review status: criteria provided, single submitter. Criteria: Invitae Variant Classification Sherloc (09022015). Collection method: clinical testing. Allele origin: germline.

Myriad Genetics, Inc.
Classification: Benign for Pheochromocytoma/paraganglioma syndrome 5. Last evaluated: 2025-03-07. Review status: criteria provided, single submitter. Criteria: Myriad Autosomal Dominant, Autosomal Recessive and X-Linked Classification Criteria (2023). Collection method: clinical testing. Allele origin: unknown.
Comment: This variant is considered benign. This variant is a silent/synonymous amino acid change and it is not expected to impact splicing.

GeneDx
Classification: Likely benign. Last evaluated: 2017-06-15. Review status: criteria provided, single submitter. Criteria: GeneDx Variant Classification (06012015). Collection method: clinical testing. Allele origin: germline. Affected: yes.
Comment: This variant is considered likely benign or benign based on one or more of the following criteria: it is a conservative change, it occurs at a poorly conserved position in the protein, it is predicted to be benign by multiple in silico algorithms, and/or has population frequency not consistent with disease.

Ambry Genetics
Classification: Likely benign for Hereditary cancer-predisposing syndrome. Last evaluated: 2016-03-30. Review status: criteria provided, single submitter. Criteria: Ambry Variant Classification Scheme 2023. Collection method: clinical testing. Allele origin: germline.

PreventionGenetics, part of Exact Sciences
Classification: Likely benign for SDHA-related condition. Last evaluated: 2022-06-08. Review status: no assertion criteria provided. Collection method: clinical testing. Allele origin: germline. Not counted in ClinVar's aggregate classification.
Comment: This variant is classified as likely benign based on ACMG/AMP sequence variant interpretation guidelines (Richards et al. 2015 PMID: 25741868, with internal and published modifications).

NM_004168.4(SDHA):c.1038C>T (p.Ser346=)

Gene: SDHA (succinate dehydrogenase complex flavoprotein subunit A; plus strand). Cytogenetic location: 5p15.33.
Variant type: single nucleotide variant.
Coding change: c.1038C>T on transcript NM_004168.4 (MANE Select); coding-DNA position 1038, C replaced by T.
Protein change: p.Ser346=; no amino-acid change (serine 346 retained).
Molecular consequence: synonymous variant.
Genome position (GRCh38, 1-based): chr5:233,619, C>T. VCF-style: chr5-233619-C-T. GRCh37 (hg19) VCF-style: chr5-233734-C-T.
Other names: c.894C>T, p.Ser298= (NM_001294332.2); c.1038C>T, p.Ser346= (NM_001330758.2).
Identifiers: ClinVar variation 486372 (VCV000486372.19), dbSNP rs1041949, ClinGen allele CA3173068.